The following is an entry in ClinVar:

ClinVar aggregate classification (germline): Uncertain significance. Review status: criteria provided, multiple submitters, no conflicts (2 of 4 stars). 3 submissions from 3 submitters: Uncertain significance (3). Last evaluated 2025-06-18.

Conditions:
Familial adenomatous polyposis 1 (FAP1). Also called: POLYPOSIS, ADENOMATOUS INTESTINAL; FAMILIAL ADENOMATOUS POLYPOSIS 1, ATTENUATED. Identifiers: MedGen C2713442, MONDO:0021056, OMIM 175100. Disease mechanism: loss of function.
Hereditary cancer-predisposing syndrome. Also called: Neoplastic Syndromes, Hereditary; Tumor predisposition; Hereditary neoplastic syndrome; Hereditary Cancer Syndrome. Identifiers: Orphanet 140162, MedGen C0027672, MeSH D009386, MONDO:0015356.

Submissions (3):

Labcorp Genetics (formerly Invitae), Labcorp
Classification: Uncertain significance for Familial adenomatous polyposis 1. Last evaluated: 2025-06-18. Review status: criteria provided, single submitter. Criteria: Invitae Variant Classification Sherloc (09022015). Collection method: clinical testing. Allele origin: germline.
Comment: This sequence change replaces glycine, which is neutral and non-polar, with glutamic acid, which is acidic and polar, at codon 2190 of the APC protein (p.Gly2190Glu). This variant is not present in population databases (gnomAD no frequency). This variant has not been reported in the literature in individuals affected with APC-related conditions. ClinVar contains an entry for this variant (Variation ID: 826487). Invitae Evidence Modeling of protein sequence and biophysical properties (such as structural, functional, and spatial information, amino acid conservation, physicochemical variation, residue mobility, and thermodynamic stability) indicates that this missense variant is not expected to disrupt APC protein function with a negative predictive value of 95%. In summary, the available evidence is currently insufficient to determine the role of this variant in disease. Therefore, it has been classified as a Variant of Uncertain Significance.

Ambry Genetics
Classification: Uncertain significance for Hereditary cancer-predisposing syndrome. Last evaluated: 2019-11-07. Review status: criteria provided, single submitter. Criteria: Ambry Variant Classification Scheme 2023. Collection method: clinical testing. Allele origin: germline.
Comment: The p.G2190E variant (also known as c.6569G>A), located in coding exon 15 of the APC gene, results from a G to A substitution at nucleotide position 6569. The glycine at codon 2190 is replaced by glutamic acid, an amino acid with similar properties. This amino acid position is highly conserved in available vertebrate species. In addition, in silico predictors for this gene do not accurately predict pathogenicity. Since supporting evidence is limited at this time, the clinical significance of this alteration remains unclear.

Color Diagnostics, LLC DBA Color Health
Classification: Uncertain significance for Hereditary cancer-predisposing syndrome. Last evaluated: 2019-05-29. Review status: criteria provided, single submitter. Criteria: ACMG Guidelines, 2015. Collection method: clinical testing. Allele origin: germline.

NM_000038.6(APC):c.6569G>A (p.Gly2190Glu)

Gene: APC (APC regulator of Wnt signaling pathway; plus strand). Cytogenetic location: 5q22.2.
Variant type: single nucleotide variant.
Coding change: c.6569G>A on transcript NM_000038.6 (MANE Select); coding-DNA position 6569, G replaced by A.
Protein change: p.Gly2190Glu; replaces glycine 2190 with glutamic acid.
Molecular consequence: missense variant.
Genome position (GRCh38, 1-based): chr5:112,842,163, G>A. VCF-style: chr5-112842163-G-A. GRCh37 (hg19) VCF-style: chr5-112177860-G-A.
Other names: c.5720G>A, p.Gly1907Glu (NM_001354906.2); c.6569G>A, p.Gly2190Glu (NM_001127510.3, NM_001354895.2); c.6515G>A, p.Gly2172Glu (NM_001127511.3); c.6623G>A, p.Gly2208Glu (NM_001354896.2); c.6599G>A, p.Gly2200Glu (NM_001354897.2); c.6494G>A, p.Gly2165Glu (NM_001354898.2); c.6485G>A, p.Gly2162Glu (NM_001354899.2); c.6446G>A, p.Gly2149Glu (NM_001354900.2); and 5 more; short protein forms G2030E, G2099E, G2131E, G2208E, G1907E, G2162E, G2165E, G2190E.
Identifiers: ClinVar variation 826487 (VCV000826487.15), dbSNP rs1554087534, ClinGen allele CA16035703.